The following is an entry in ClinVar:

ClinVar aggregate classification (germline): Uncertain significance. Review status: criteria provided, multiple submitters, no conflicts (2 of 4 stars). 3 submissions from 3 submitters: Uncertain significance (3). Last evaluated 2025-03-28.

Conditions:
Inborn genetic diseases. Identifiers: MedGen C0950123, MeSH D030342.
Cobblestone lissencephaly without muscular or ocular involvement. Also called: Lissencephaly 5; LEUKOENCEPHALOPATHY WITH VARIABLE CORTICAL BRAIN MALFORMATIONS AND/OR HYDROCEPHALUS. Identifiers: Orphanet 352682, MedGen C3554657, MONDO:0014077, OMIM 615191.

Allele frequency attached by ClinVar (database versions not stated): TOPMed 0.00002; gnomAD 0.00004; ESP Exome Variant Server 0.00008.
gnomAD v4.1: 52 of 1,613,844 alleles (0.0032%); highest among the groups gnomAD compares: Admixed American, 0.012%; no homozygotes.

Submissions (3):

Ambry Genetics
Classification: Uncertain significance for Inborn genetic diseases. Last evaluated: 2025-03-28. Review status: criteria provided, single submitter. Criteria: Ambry Variant Classification Scheme 2023. Collection method: clinical testing. Allele origin: germline.

Labcorp Genetics (formerly Invitae), Labcorp
Classification: Uncertain significance. Last evaluated: 2023-08-04. Review status: criteria provided, single submitter. Criteria: Invitae Variant Classification Sherloc (09022015). Collection method: clinical testing. Allele origin: germline.
Comment: In summary, the available evidence is currently insufficient to determine the role of this variant in disease. Therefore, it has been classified as a Variant of Uncertain Significance. Algorithms developed to predict the effect of missense changes on protein structure and function output the following: SIFT: "Not Available"; PolyPhen-2: "Benign"; Align-GVGD: "Not Available". The arginine amino acid residue is found in multiple mammalian species, which suggests that this missense change does not adversely affect protein function. ClinVar contains an entry for this variant (Variation ID: 2203172). This variant has not been reported in the literature in individuals affected with LAMB1-related conditions. This variant is present in population databases (rs143093758, gnomAD 0.02%). This sequence change replaces glycine, which is neutral and non-polar, with arginine, which is basic and polar, at codon 1667 of the LAMB1 protein (p.Gly1667Arg).

Revvity Omics, Revvity
Classification: Uncertain significance for Cobblestone lissencephaly without muscular or ocular involvement. Last evaluated: 2023-07-21. Review status: criteria provided, single submitter. Criteria: ACMG Guidelines, 2015. Collection method: clinical testing. Allele origin: germline.

NM_002291.3(LAMB1):c.4999G>A (p.Gly1667Arg)

Gene: LAMB1 (laminin subunit beta 1; minus strand). Cytogenetic location: 7q31.1.
Variant type: single nucleotide variant.
Coding change: c.4999G>A on transcript NM_002291.3 (MANE Select); coding-DNA position 4999, G replaced by A.
Protein change: p.Gly1667Arg; replaces glycine 1667 with arginine.
Molecular consequence: missense variant.
Genome position (GRCh38, 1-based): chr7:107,926,248, C>T on the plus strand (G>A on the coding strand, the complement: LAMB1 is on the minus strand). VCF-style: chr7-107926248-C-T. GRCh37 (hg19) VCF-style: chr7-107566693-C-T.
Other names: c.4999G>A (NM_002291.2); short protein forms G1667R.
Identifiers: ClinVar variation 2203172 (VCV002203172.8), dbSNP rs143093758, ClinGen allele CA4434871.